The following is an entry in ClinVar:

ClinVar aggregate classification (germline): Likely benign. Review status: criteria provided, multiple submitters, no conflicts (2 of 4 stars). 5 submissions from 5 submitters: Likely benign (5). Last evaluated 2025-09-28.

Conditions:
Hereditary cancer-predisposing syndrome. Also called: Hereditary neoplastic syndrome; Neoplastic Syndromes, Hereditary; Tumor predisposition; Hereditary Cancer Syndrome. Identifiers: Orphanet 140162, MedGen C0027672, MeSH D009386, MONDO:0015356.
Familial cancer of breast. Also called: BREAST CANCER, FAMILIAL; Hereditary breast cancer; hereditary breast carcinoma. Identifiers: Orphanet 227535, MedGen C0346153, MONDO:0016419, OMIM 114480. Disease mechanism: loss of function.

Allele frequency attached by ClinVar (database versions not stated): gnomAD exomes below 0.00001; ExAC 0.00001; gnomAD 0.00003.
gnomAD v4.1: 1 of 1,564,744 alleles (0.000064%); highest among the groups gnomAD compares: Non-Finnish European, 0.000088%; no homozygotes.

Submissions (5):

Labcorp Genetics (formerly Invitae), Labcorp
Classification: Likely benign for Familial cancer of breast. Last evaluated: 2025-09-28. Review status: criteria provided, single submitter. Criteria: Invitae Variant Classification Sherloc (09022015). Collection method: clinical testing. Allele origin: germline.

Quest Diagnostics Nichols Institute San Juan Capistrano
Classification: Likely benign. Last evaluated: 2025-06-18. Review status: criteria provided, single submitter. Criteria: Quest Diagnostics criteria. Collection method: clinical testing. Allele origin: unknown.

Color Diagnostics, LLC DBA Color Health
Classification: Likely benign for Hereditary cancer-predisposing syndrome. Last evaluated: 2025-02-18. Review status: criteria provided, single submitter. Criteria: ACMG Guidelines, 2015. Collection method: clinical testing. Allele origin: germline.

Myriad Genetics, Inc.
Classification: Likely benign for Familial cancer of breast. Last evaluated: 2025-01-21. Review status: criteria provided, single submitter. Criteria: Myriad Autosomal Dominant, Autosomal Recessive and X-Linked Classification Criteria (2023). Collection method: clinical testing. Allele origin: unknown.
Comment: This variant is considered likely benign. This variant is intronic and is not expected to impact mRNA splicing.

Women's Health and Genetics/Laboratory Corporation of America, LabCorp
Classification: Likely benign. Last evaluated: 2024-12-12. Review status: criteria provided, single submitter. Criteria: LabCorp Variant Classification Summary - May 2015. Collection method: clinical testing. Allele origin: germline.

NM_024675.4(PALB2):c.2997-9T>C

Gene: PALB2 (partner and localizer of BRCA2; minus strand). Cytogenetic location: 16p12.2.
Variant type: single nucleotide variant.
Coding change: c.2997-9T>C on transcript NM_024675.4 (MANE Select); 9 bases into the intron before coding-DNA position 2997, T replaced by C.
Molecular consequence: intron variant.
Genome position (GRCh38, 1-based): chr16:23,621,487, A>G on the plus strand (T>C on the coding strand, the complement: PALB2 is on the minus strand). VCF-style: chr16-23621487-A-G. GRCh37 (hg19) VCF-style: chr16-23632808-A-G.
Identifiers: ClinVar variation 215935 (VCV000215935.18), dbSNP rs765733708, ClinGen allele CA338076.